The following is an entry in ClinVar:

ClinVar aggregate classification (germline): Uncertain significance (1 of 4 stars; one submission).

Conditions:
Peroxisome biogenesis disorder. Identifiers: Orphanet 79189, MedGen C1832200, MONDO:0019234. Disease mechanism: loss of function.

Submission:

Myriad Genetics, Inc.
Classification: Uncertain significance for Peroxisome biogenesis disorder. Last evaluated: 2026-03-02. Review status: criteria provided, single submitter. Criteria: Myriad Autosomal Dominant, Autosomal Recessive and X-Linked Classification Criteria (2023). Collection method: clinical testing. Allele origin: unknown.
Comment: NM_000466.2(PEX1):c.382C>A(Q128K) is a missense variant classified as a variant of uncertain significance in the context of peroxisome biogenesis disorder type 1. Q128K has not been observed in cases with relevant disease. Relevant functional assessments of this variant are not available in the literature. Q128K has been observed in referenced population frequency databases. In summary, there is insufficient evidence to classify NM_000466.2(PEX1):c.382C>A(Q128K) as pathogenic or benign. Please note: this variant was assessed in the context of healthy population screening.

NM_000466.3(PEX1):c.382C>A (p.Gln128Lys)

Gene: PEX1 (peroxisomal biogenesis factor 1; minus strand). Cytogenetic location: 7q21.2.
Variant type: single nucleotide variant.
Coding change: c.382C>A on transcript NM_000466.3 (MANE Select); coding-DNA position 382, C replaced by A.
Protein change: p.Gln128Lys; replaces glutamine 128 with lysine.
Molecular consequence: missense variant. On other transcripts: 5 prime UTR variant (1).
Genome position (GRCh38, 1-based): chr7:92,518,231, G>T on the plus strand (C>A on the coding strand, the complement: PEX1 is on the minus strand). VCF-style: chr7-92518231-G-T. GRCh37 (hg19) VCF-style: chr7-92147545-G-T.
Other names: c.382C>A, p.Gln128Lys (NM_001282677.2); c.-243C>A (NM_001282678.2); short protein forms Q128K.
Identifiers: ClinVar variation 5004942 (VCV005004942.1).